The following is an entry in ClinVar:

NM_015459.5(ATL3):c.850+2T>C

Genes: LNCROPM (lncRNA regulator of PLAAT3 mediated phospholipid metabolism; plus strand), ATL3 (atlastin GTPase 3; minus strand). Cytogenetic location: 11q13.1.
Variant type: single nucleotide variant.
Coding change: c.850+2T>C on transcript NM_015459.5 (MANE Select); the canonical splice donor site of the intron after coding-DNA position 850, T replaced by C.
Molecular consequence: splice donor variant.
Genome position (GRCh38, 1-based): chr11:63,643,355, A>G on the plus strand (T>C on the coding strand, the complement: ATL3 is on the minus strand). VCF-style: chr11-63643355-A-G. GRCh37 (hg19) VCF-style: chr11-63410827-A-G.
Other names: c.796+2T>C (NM_001290048.2).
Identifiers: ClinVar variation 1059650 (VCV001059650.7), dbSNP rs983809230, ClinGen allele CA223746424.

ClinVar aggregate classification (germline): Uncertain significance (1 of 4 stars; one submission).

Conditions:
Neuropathy, hereditary sensory, type 1F. Also called: Hereditary sensory neuropathy type IF; HSN IF. Identifiers: Orphanet 36386, MedGen C3810194, MONDO:0014286, OMIM 615632.

Allele frequency attached by ClinVar (database versions not stated): TOPMed below 0.00001; gnomAD 0.00001.
gnomAD v4.1: 1 of 1,603,528 alleles (0.000062%); highest among the groups gnomAD compares: Non-Finnish European, 0.000085%; no homozygotes.

Submission:

Labcorp Genetics (formerly Invitae), Labcorp
Classification: Uncertain significance for Neuropathy, hereditary sensory, type 1F. Last evaluated: 2020-01-23. Review status: criteria provided, single submitter. Criteria: Invitae Variant Classification Sherloc (09022015). Collection method: clinical testing. Allele origin: germline.
Comment: This sequence change affects a donor splice site in intron 8 of the ATL3 gene. It is expected to disrupt RNA splicing and likely results in an absent or disrupted protein product. This variant is not present in population databases (ExAC no frequency). This variant has not been reported in the literature in individuals with ATL3-related conditions. The current clinical and genetic evidence is not sufficient to establish whether loss-of-function variants in ATL3 cause disease. In summary, the available evidence is currently insufficient to determine the role of this variant in disease. Therefore, it has been classified as a Variant of Uncertain Significance.